The following is an entry in ClinVar:

NM_001258392.3(CLPB):c.193G>A (p.Gly65Arg)

Genes: CLPB (ClpB family mitochondrial disaggregase; minus strand), LOC130006336 (ATAC-STARR-seq lymphoblastoid active region 5191; plus strand). Cytogenetic location: 11q13.4.
Variant type: single nucleotide variant.
Coding change: c.193G>A on transcript NM_001258392.3 (MANE Select); coding-DNA position 193, G replaced by A.
Protein change: p.Gly65Arg; replaces glycine 65 with arginine.
Molecular consequence: missense variant. On other transcripts: 5 prime UTR variant (1).
Genome position (GRCh38, 1-based): chr11:72,434,282, C>T on the plus strand (G>A on the coding strand, the complement: CLPB is on the minus strand). VCF-style: chr11-72434282-C-T. GRCh37 (hg19) VCF-style: chr11-72145326-C-T.
Other names: c.193G>A, p.Gly65Arg (NM_001258393.3, NM_030813.6); c.-50G>A (NM_001258394.3); short protein forms G65R.
Identifiers: ClinVar variation 1380887 (VCV001380887.8), dbSNP rs368496010, ClinGen allele CA381963455.

ClinVar aggregate classification (germline): Uncertain significance (1 of 4 stars; one submission).

Conditions:
3-methylglutaconic aciduria, type VIIB (MGCA7B). Also called: CLPB Deficiency; 3-methylglutaconic aciduria with cataracts, neurologic involvement and neutropenia; 3-methylglutaconic aciduria, type VII, with cataracts, neurologic involvement and neutropenia. Identifiers: Orphanet 445038, MedGen C5676893, MONDO:0014561, OMIM 616271.

gnomAD v4.1: 1 of 1,612,418 alleles (0.000062%); highest among the groups gnomAD compares: Middle Eastern, 0.017%; no homozygotes.

Submission:

Labcorp Genetics (formerly Invitae), Labcorp
Classification: Uncertain significance for 3-methylglutaconic aciduria, type VIIB. Last evaluated: 2025-04-07. Review status: criteria provided, single submitter. Criteria: Invitae Variant Classification Sherloc (09022015). Collection method: clinical testing. Allele origin: germline.
Comment: This sequence change replaces glycine, which is neutral and non-polar, with arginine, which is basic and polar, at codon 65 of the CLPB protein (p.Gly65Arg). This variant is not present in population databases (gnomAD no frequency). This variant has not been reported in the literature in individuals affected with CLPB-related conditions. ClinVar contains an entry for this variant (Variation ID: 1380887). An algorithm developed to predict the effect of missense changes on protein structure and function outputs the following: PolyPhen-2: "Benign". The arginine amino acid residue is found in multiple mammalian species, which suggests that this missense change does not adversely affect protein function. In summary, the available evidence is currently insufficient to determine the role of this variant in disease. Therefore, it has been classified as a Variant of Uncertain Significance.